The following is an entry in ClinVar:

ClinVar aggregate classification (germline): Uncertain significance. Review status: criteria provided, multiple submitters, no conflicts (2 of 4 stars). 3 submissions from 3 submitters: Uncertain significance (3). Last evaluated 2025-09-01.

Conditions:
Inborn genetic diseases. Identifiers: MedGen C0950123, MeSH D030342.

Allele frequency attached by ClinVar (database versions not stated): gnomAD 0.00001; gnomAD exomes 0.00002 and 0.00003; TOPMed 0.00002; ExAC 0.00004; ESP Exome Variant Server 0.00015.
gnomAD v4.1: 40 of 1,614,048 alleles (0.0025%); highest among the groups gnomAD compares: Non-Finnish European, 0.0034%; no homozygotes.

Submissions (3):

Ambry Genetics
Classification: Uncertain significance for Inborn genetic diseases. Last evaluated: 2025-09-01. Review status: criteria provided, single submitter. Criteria: Ambry Variant Classification Scheme 2023. Collection method: clinical testing. Allele origin: germline.

Blueprint Genetics
Classification: Uncertain significance. Last evaluated: 2024-09-25. Review status: criteria provided, single submitter. Criteria: ACMG Guidelines, 2015. Collection method: clinical testing. Allele origin: germline.

Labcorp Genetics (formerly Invitae), Labcorp
Classification: Uncertain significance. Last evaluated: 2022-07-19. Review status: criteria provided, single submitter. Criteria: Invitae Variant Classification Sherloc (09022015). Collection method: clinical testing. Allele origin: germline.
Comment: In summary, the available evidence is currently insufficient to determine the role of this variant in disease. Therefore, it has been classified as a Variant of Uncertain Significance. Algorithms developed to predict the effect of missense changes on protein structure and function are either unavailable or do not agree on the potential impact of this missense change (SIFT: "Not Available"; PolyPhen-2: "Benign"; Align-GVGD: "Not Available"). ClinVar contains an entry for this variant (Variation ID: 1347269). This variant has not been reported in the literature in individuals affected with ANK3-related conditions. This variant is present in population databases (rs146213267, gnomAD 0.005%). This sequence change replaces lysine, which is basic and polar, with glutamic acid, which is acidic and polar, at codon 3348 of the ANK3 protein (p.Lys3348Glu).

NM_020987.5(ANK3):c.10042A>G (p.Lys3348Glu)

Gene: ANK3 (ankyrin 3; minus strand). Cytogenetic location: 10q21.2.
Variant type: single nucleotide variant.
Coding change: c.10042A>G on transcript NM_020987.5 (MANE Select); coding-DNA position 10042, A replaced by G.
Protein change: p.Lys3348Glu; replaces lysine 3348 with glutamic acid.
Molecular consequence: missense variant. On other transcripts: intron variant (4).
Genome position (GRCh38, 1-based): chr10:60,070,839, T>C on the plus strand (A>G on the coding strand, the complement: ANK3 is on the minus strand). VCF-style: chr10-60070839-T-C. GRCh37 (hg19) VCF-style: chr10-61830597-T-C.
Other names: c.4388-2830A>G (NM_001204403.2); c.4409-2830A>G (NM_001204404.2); c.4406-2830A>G (NM_001320874.2); c.1808-2830A>G (NM_001149.4); c.10042A>G (NM_020987.3); short protein forms K3348E.
Identifiers: ClinVar variation 1347269 (VCV001347269.8), dbSNP rs146213267, ClinGen allele CA5511287.